The following is an entry in ClinVar:

ClinVar aggregate classification (germline): Pathogenic (1 of 4 stars; one submission).

Submission:

Labcorp Genetics (formerly Invitae), Labcorp
Classification: Pathogenic. Last evaluated: 2022-09-13. Review status: criteria provided, single submitter. Criteria: Invitae Variant Classification Sherloc (09022015). Collection method: clinical testing. Allele origin: germline.
Comment: This sequence change creates a premature translational stop signal (p.Leu416Serfs*65) in the SLC34A3 gene. While this is not anticipated to result in nonsense mediated decay, it is expected to disrupt the last 184 amino acid(s) of the SLC34A3 protein. The frequency data for this variant in the population databases is considered unreliable, as metrics indicate poor data quality at this position in the gnomAD database. This variant has not been reported in the literature in individuals affected with SLC34A3-related conditions. Algorithms developed to predict the effect of sequence changes on RNA splicing suggest that this variant may disrupt the consensus splice site. This variant disrupts a region of the SLC34A3 protein in which other variant(s) (p.Trp541*) have been determined to be pathogenic (PMID: 31440709; Invitae). This suggests that this is a clinically significant region of the protein, and that variants that disrupt it are likely to be disease-causing. For these reasons, this variant has been classified as Pathogenic.

Literature cited by the submitters: PubMed 31440709.

NM_001177316.2(SLC34A3):c.1246del (p.Leu416fs)

Gene: SLC34A3 (solute carrier family 34 member 3; plus strand). Cytogenetic location: 9q34.3.
Variant type: Deletion.
Coding change: c.1246del on transcript NM_001177316.2 (MANE Select); coding-DNA position 1246, one base deleted (C; older notation c.1246delC).
Protein change: p.Leu416fs; shifts the reading frame from leucine 416.
Molecular consequence: frameshift variant.
Genome position (GRCh38, 1-based): chr9:137,234,642, C deleted; the last of 5 consecutive C bases (chr9:137,234,638-137,234,642); deleting any one gives the same sequence. VCF-style (leftmost placement, unchanged base first): chr9-137234637-AC-A. GRCh37 (hg19) VCF-style: chr9-140129089-AC-A.
Other names: c.1246del, p.Leu416fs (NM_001177317.2, NM_080877.3); short protein forms L416fs.
Identifiers: ClinVar variation 2065818 (VCV002065818.1), dbSNP rs747481987, ClinGen allele CA5364873.